The following is an entry in ClinVar:

ClinVar aggregate classification (germline): Uncertain significance (1 of 4 stars; one submission).

Submission:

GeneDx
Classification: Uncertain significance. Last evaluated: 2022-03-15. Review status: criteria provided, single submitter. Criteria: GeneDx Variant Classification Process June 2021. Collection method: clinical testing. Allele origin: germline. Affected: yes.
Comment: Not observed at significant frequency in large population cohorts (gnomAD); In silico analysis supports that this missense variant has a deleterious effect on protein structure/function; Has not been previously published as pathogenic or benign to our knowledge; This variant is associated with the following publications: (PMID: 12453420, 18003757)

NM_000545.8(HNF1A):c.458C>A (p.Pro153His)

Gene: HNF1A (HNF1 homeobox A; plus strand). Cytogenetic location: 12q24.31.
Variant type: single nucleotide variant.
Coding change: c.458C>A on transcript NM_000545.8 (MANE Select); coding-DNA position 458, C replaced by A.
Protein change: p.Pro153His; replaces proline 153 with histidine.
Molecular consequence: missense variant.
Genome position (GRCh38, 1-based): chr12:120,988,964, C>A. VCF-style: chr12-120988964-C-A. GRCh37 (hg19) VCF-style: chr12-121426767-C-A.
Other names: c.458C>A, p.Pro153His (NM_001306179.2, NM_001406915.1); short protein forms P153H.
Identifiers: ClinVar variation 1706101 (VCV001706101.2), dbSNP rs2135832748, ClinGen allele CA386960216.